The following is an entry in ClinVar:

ClinVar aggregate classification (germline): Uncertain significance. Review status: criteria provided, multiple submitters, no conflicts (2 of 4 stars). 2 submissions from 2 submitters: Uncertain significance (2). Last evaluated 2025-08-27.

Conditions:
Familial adenomatous polyposis 2. Also called: FAP type 2; MUTYH-related attenuated familial adenomatous polyposis; COLORECTAL ADENOMATOUS POLYPOSIS, AUTOSOMAL RECESSIVE; ADENOMAS, MULTIPLE COLORECTAL, AUTOSOMAL RECESSIVE; MUTYH Polyposis; Adenomas, multiple colorectal. Identifiers: Orphanet 220460, Orphanet 247798, MedGen C3272841, MONDO:0012041, OMIM 608456.
Hereditary cancer-predisposing syndrome. Also called: Hereditary neoplastic syndrome; Neoplastic Syndromes, Hereditary; Tumor predisposition; Hereditary Cancer Syndrome. Identifiers: Orphanet 140162, MedGen C0027672, MeSH D009386, MONDO:0015356.

Allele frequency attached by ClinVar (database versions not stated): ExAC 0.00001.
gnomAD v4.1: 1 of 1,614,210 alleles (0.000062%); highest among the groups gnomAD compares: South Asian, 0.0011%; no homozygotes.

Submissions (2):

Ambry Genetics
Classification: Uncertain significance for Hereditary cancer-predisposing syndrome. Last evaluated: 2025-08-27. Review status: criteria provided, single submitter. Criteria: Ambry Variant Classification Scheme 2023. Collection method: clinical testing. Allele origin: germline.
Comment: The p.S538F variant (also known as c.1613C>T), located in coding exon 16 of the MUTYH gene, results from a C to T substitution at nucleotide position 1613. The serine at codon 538 is replaced by phenylalanine, an amino acid with highly dissimilar properties. This amino acid position is conserved. In addition, this alteration is predicted to be tolerated by in silico analysis. Based on the available evidence, the clinical significance of this variant remains unclear.

Labcorp Genetics (formerly Invitae), Labcorp
Classification: Uncertain significance for Familial adenomatous polyposis 2. Last evaluated: 2022-05-20. Review status: criteria provided, single submitter. Criteria: Invitae Variant Classification Sherloc (09022015). Collection method: clinical testing. Allele origin: germline.
Comment: This sequence change replaces serine, which is neutral and polar, with phenylalanine, which is neutral and non-polar, at codon 538 of the MUTYH protein (p.Ser538Phe). This variant is not present in population databases (gnomAD no frequency). This variant has not been reported in the literature in individuals affected with MUTYH-related conditions. Algorithms developed to predict the effect of missense changes on protein structure and function are either unavailable or do not agree on the potential impact of this missense change (SIFT: "Deleterious"; PolyPhen-2: "Benign"; Align-GVGD: "Class C0"). In summary, the available evidence is currently insufficient to determine the role of this variant in disease. Therefore, it has been classified as a Variant of Uncertain Significance.

NM_001048174.2(MUTYH):c.1529C>T (p.Ser510Phe)

Gene: MUTYH (mutY DNA glycosylase; minus strand). Cytogenetic location: 1p34.1.
Variant type: single nucleotide variant.
Coding change: c.1529C>T on transcript NM_001048174.2 (MANE Select); coding-DNA position 1529, C replaced by T.
Protein change: p.Ser510Phe; replaces serine 510 with phenylalanine.
Molecular consequence: missense variant. On other transcripts: non-coding transcript variant (2).
Genome position (GRCh38, 1-based): chr1:45,329,343, G>A on the plus strand (C>T on the coding strand, the complement: MUTYH is on the minus strand). VCF-style: chr1-45329343-G-A. GRCh37 (hg19) VCF-style: chr1-45795015-G-A.
Other names: c.1571C>T, p.Ser524Phe (NM_001407083.1, NM_001407085.1); c.1532C>T, p.Ser511Phe (NM_001407086.1, NM_001048172.2, NM_001407071.1 and 1 more transcripts); c.1550C>T, p.Ser517Phe (NM_001407087.1); c.1529C>T, p.Ser510Phe (NM_001407088.1, NM_001407089.1, NM_001048171.2 and 6 more transcripts); c.1253C>T, p.Ser418Phe (NM_001407091.1, NM_001293192.2, NM_001293196.2); c.1604C>T, p.Ser535Phe (NM_012222.3); c.1613C>T, p.Ser538Phe (NM_001128425.2); c.1574C>T, p.Ser525Phe (NM_001293190.2); and 5 more; short protein forms S418F, S517F, S525F, S538F, S395F, S482F, S497F, S496F.
Identifiers: ClinVar variation 1955122 (VCV001955122.6), dbSNP rs749775244, ClinGen allele CA057077.